The following is an entry in ClinVar:

NM_000256.3(MYBPC3):c.3228_3229insT (p.Ala1077fs)

Gene: MYBPC3 (myosin binding protein C3; minus strand). Cytogenetic location: 11p11.2.
Variant type: Insertion.
Coding change: c.3228_3229insT on transcript NM_000256.3 (MANE Select); coding-DNA positions 3228 to 3229, T inserted.
Protein change: p.Ala1077fs; shifts the reading frame from alanine 1077.
Molecular consequence: frameshift variant.
Genome position: GRCh38 VCF-style: chr11-47333295-C-CA. GRCh37 (hg19) VCF-style: chr11-47354846-C-CA.
Other names: c.3228_3229insT, p.Ala1077fs (LRG_386t1); short protein forms A1077fs.
Identifiers: ClinVar variation 520334 (VCV000520334.8), dbSNP rs1555120529, ClinGen allele CA658797620.
Genomic context (GRCh38, chr11:47,333,295, plus strand): 5'-GCTCCGTGTTGCCGACATCCTGGGGTGGCTTCCACTCCAGAGCCACATTAAGACCCCAGG[C>CA]GTCAGTCACCCGGAGATCCTGGGGAGGACTTGGCTTGTCTGCGGGAGACAGACCCAGTTG-3'

ClinVar aggregate classification (germline): Pathogenic. Review status: criteria provided, multiple submitters, no conflicts (2 of 4 stars). 2 submissions from 2 submitters: Pathogenic (2). Last evaluated 2023-03-30.

Conditions:
Cardiovascular phenotype. Identifiers: MedGen CN230736.
Hypertrophic cardiomyopathy. Also called: HYPERTROPHIC MYOCARDIOPATHY. Identifiers: Orphanet 217569, MedGen C0007194, MeSH D002312, MONDO:0005045, HP:0001639.

Submissions (2):

Labcorp Genetics (formerly Invitae), Labcorp
Classification: Pathogenic for Hypertrophic cardiomyopathy. Last evaluated: 2023-03-30. Review status: criteria provided, single submitter. Criteria: Invitae Variant Classification Sherloc (09022015). Collection method: clinical testing. Allele origin: germline.
Comment: This sequence change creates a premature translational stop signal (p.Ala1077Cysfs*5) in the MYBPC3 gene. It is expected to result in an absent or disrupted protein product. Loss-of-function variants in MYBPC3 are known to be pathogenic (PMID: 19574547). For these reasons, this variant has been classified as Pathogenic. ClinVar contains an entry for this variant (Variation ID: 520334). This variant has not been reported in the literature in individuals affected with MYBPC3-related conditions. This variant is not present in population databases (gnomAD no frequency).

Ambry Genetics
Classification: Pathogenic for Cardiovascular phenotype. Last evaluated: 2017-01-05. Review status: criteria provided, single submitter. Criteria: Ambry Variant Classification Scheme 2023. Collection method: clinical testing. Allele origin: germline.
Comment: The c.3228_3229insT pathogenic mutation, located in coding exon 30 of the MYBPC3 gene, results from an insertion of one nucleotide at position 3228, causing a translational frameshift with a predicted alternate stop codon (p.A1077Cfs*5). This alteration is expected to result in loss of function by premature protein truncation or nonsense-mediated mRNA decay. As such, this alteration is interpreted as a disease-causing mutation.

Literature cited by the submitters: PubMed 19574547 (cited by Labcorp Genetics (formerly Invitae), Labcorp).